The following is an entry in ClinVar:

NM_001258392.3(CLPB):c.970A>G (p.Ile324Val)

Gene: CLPB (ClpB family mitochondrial disaggregase; minus strand). Cytogenetic location: 11q13.4.
Variant type: single nucleotide variant.
Coding change: c.970A>G on transcript NM_001258392.3 (MANE Select); coding-DNA position 970, A replaced by G.
Protein change: p.Ile324Val; replaces isoleucine 324 with valine.
Molecular consequence: missense variant.
Genome position (GRCh38, 1-based): chr11:72,317,124, T>C on the plus strand (A>G on the coding strand, the complement: CLPB is on the minus strand). VCF-style: chr11-72317124-T-C. GRCh37 (hg19) VCF-style: chr11-72028168-T-C.
Other names: c.883A>G, p.Ile295Val (NM_001258393.3); c.925A>G, p.Ile309Val (NM_001258394.3); c.1060A>G, p.Ile354Val (NM_030813.6); short protein forms I295V, I309V, I324V, I354V.
Identifiers: ClinVar variation 3622086 (VCV003622086.2).
Genomic context (GRCh38, chr11:72,317,124, plus strand): 5'-AAAGGGCACCACTCTGCCCTTTCTGGTGTCCCACACACTCACCAGCACCCACTGTGGCGA[T>C]GGCGCTCTCCTGGCCAATGATGTGCTCCTTTAGTCGCTGCTCCAGGGGGAAGCGGCGCCG-3'
Protein context (NP_001245321.1, residues 314-334): KEHIIGQESA[Ile324Val]ATVGAAIRRK

ClinVar aggregate classification (germline): Uncertain significance (1 of 4 stars; one submission).

Conditions:
3-methylglutaconic aciduria, type VIIB (MGCA7B). Also called: 3-methylglutaconic aciduria, type VII, with cataracts, neurologic involvement and neutropenia; CLPB Deficiency; 3-methylglutaconic aciduria with cataracts, neurologic involvement and neutropenia. Identifiers: Orphanet 445038, MedGen C5676893, MONDO:0014561, OMIM 616271.

gnomAD v4.1: 6 of 1,611,360 alleles (0.00037%); highest among the groups gnomAD compares: Admixed American, 0.0033%; no homozygotes.

Submission:

Labcorp Genetics (formerly Invitae), Labcorp
Classification: Uncertain significance for 3-methylglutaconic aciduria, type VIIB. Last evaluated: 2025-11-23. Review status: criteria provided, single submitter. Criteria: Invitae Variant Classification Sherloc (09022015). Collection method: clinical testing. Allele origin: germline.
Comment: This sequence change replaces isoleucine, which is neutral and non-polar, with valine, which is neutral and non-polar, at codon 354 of the CLPB protein (p.Ile354Val). The frequency data for this variant in the population databases is considered unreliable, as metrics indicate poor data quality at this position in the gnomAD database. This variant has not been reported in the literature in individuals affected with CLPB-related conditions. ClinVar contains an entry for this variant (Variation ID: 3622086). An algorithm developed to predict the effect of missense changes on protein structure and function (PolyPhen-2) suggests that this variant is likely to be disruptive. In summary, the available evidence is currently insufficient to determine the role of this variant in disease. Therefore, it has been classified as a Variant of Uncertain Significance.